The following is an entry in ClinVar:

ClinVar aggregate classification (germline): Uncertain significance (1 of 4 stars; one submission).

Conditions:
Heart defects, congenital, and other congenital anomalies. Also called: PANCREATIC HYPOPLASIA, CONGENITAL, WITH DIABETES MELLITUS AND CONGENITAL HEART DISEASE; Pancreatic hypoplasia-diabetes-congenital heart disease syndrome. Identifiers: Orphanet 2255, MedGen C2931296, MONDO:0010802, OMIM 600001.

Submission:

3billion
Classification: Uncertain significance for Heart defects, congenital, and other congenital anomalies. Last evaluated: 2025-12-08. Review status: criteria provided, single submitter. Criteria: ACMG Guidelines, 2015. Collection method: clinical testing. Allele origin: germline. Affected: yes.
Comment: The variant is not observed in the gnomAD v4.1.0 dataset. Predicted Consequence/Location: Intron variant In silico tools predict the variant to alter splicing and produce an abnormal transcript [SpliceAI: 0.97 (>=0.2, moderate evidence for spliceogenicity)]. Therefore, this variant is classified as VUS according to the recommendation of ACMG/AMP guideline.

NM_005257.6(GATA6):c.1303-20T>G

Gene: GATA6 (GATA binding protein 6; plus strand). Cytogenetic location: 18q11.2.
Variant type: single nucleotide variant.
Coding change: c.1303-20T>G on transcript NM_005257.6 (MANE Select); 20 bases into the intron before coding-DNA position 1303, T replaced by G.
Molecular consequence: intron variant.
Genome position (GRCh38, 1-based): chr18:22,181,433, T>G. VCF-style: chr18-22181433-T-G. GRCh37 (hg19) VCF-style: chr18-19761394-T-G.
Identifiers: ClinVar variation 4856137 (VCV004856137.1).
Genomic context (GRCh38, chr18:22,181,433, plus strand): 5'-ACAAAATACCTTAATGTATGTATGTAATATATATATATGTCACTTATATTTTTCCACTTA[T>G]GTTCTTGTACTGTTTCTAGCCTTCATCACGGCGGCTTGGATTGTCCTGTGCCAACTGTCA-3'